The following is an entry in ClinVar:

NM_000053.4(ATP7B):c.51+2T>C

Gene: ATP7B (ATPase copper transporting beta; minus strand). Cytogenetic location: 13q14.3.
Variant type: single nucleotide variant.
Coding change: c.51+2T>C on transcript NM_000053.4 (MANE Select); the canonical splice donor site of the intron after coding-DNA position 51, T replaced by C.
Molecular consequence: splice donor variant.
Genome position (GRCh38, 1-based): chr13:52,011,285, A>G on the plus strand (T>C on the coding strand, the complement: ATP7B is on the minus strand). VCF-style: chr13-52011285-A-G. GRCh37 (hg19) VCF-style: chr13-52585421-A-G.
Other names: c.51+2T>C (NM_001406541.1, NM_001406531.1, NM_001406527.1 and 30 more transcripts); c.-79+2T>C (NM_001406543.1, NM_001406539.1); c.-137+2T>C (NM_001406518.1).
Identifiers: ClinVar variation 2000865 (VCV002000865.4), dbSNP rs2547323392, ClinGen allele CA388047542.

ClinVar aggregate classification (germline): Pathogenic (1 of 4 stars; one submission).

Conditions:
Wilson disease (WND). Also called: Wilson's disease. Identifiers: Orphanet 905, MedGen C0019202, MONDO:0010200, OMIM 277900. Disease mechanism: loss of function.

Submission:

Labcorp Genetics (formerly Invitae), Labcorp
Classification: Pathogenic for Wilson disease. Last evaluated: 2022-05-30. Review status: criteria provided, single submitter. Criteria: Invitae Variant Classification Sherloc (09022015). Collection method: clinical testing. Allele origin: germline.
Comment: This sequence change affects a donor splice site in intron 1 of the ATP7B gene. It is expected to disrupt RNA splicing. Variants that disrupt the donor or acceptor splice site typically lead to a loss of protein function (PMID: 16199547), and loss-of-function variants in ATP7B are known to be pathogenic (PMID: 10441329, 16283883). This variant is not present in population databases (gnomAD no frequency). Disruption of this splice site has been observed in individual(s) with Wilson disease (PMID: 30655162, 34381801). Algorithms developed to predict the effect of sequence changes on RNA splicing suggest that this variant may disrupt the consensus splice site. For these reasons, this variant has been classified as Pathogenic.

Literature cited by the submitters: PubMed 16199547; PubMed 10441329; PubMed 16283883; PubMed 30655162; PubMed 34381801.